The following is an entry in ClinVar:

NM_194454.3(KRIT1):c.1168A>G (p.Arg390Gly)

Gene: KRIT1 (KRIT1 ankyrin repeat containing; minus strand). Cytogenetic location: 7q21.2.
Variant type: single nucleotide variant.
Coding change: c.1168A>G on transcript NM_194454.3 (MANE Select); coding-DNA position 1168, A replaced by G.
Protein change: p.Arg390Gly; replaces arginine 390 with glycine.
Molecular consequence: missense variant.
Genome position (GRCh38, 1-based): chr7:92,225,806, T>C on the plus strand (A>G on the coding strand, the complement: KRIT1 is on the minus strand). VCF-style: chr7-92225806-T-C. GRCh37 (hg19) VCF-style: chr7-91855120-T-C.
Other names: c.1024A>G, p.Arg342Gly (NM_001013406.2, NM_001350669.1, NM_001350670.1); c.454A>G, p.Arg152Gly (NM_001350671.1); c.1168A>G, p.Arg390Gly (NM_001350672.1, NM_001350673.1, NM_001350674.1 and 26 more transcripts); short protein forms R152G, R342G, R390G.
Identifiers: ClinVar variation 3368687 (VCV003368687.1).

ClinVar aggregate classification (germline): Uncertain significance (1 of 4 stars; one submission).

Submission:

GeneDx
Classification: Uncertain significance. Last evaluated: 2024-02-01. Review status: criteria provided, single submitter. Criteria: GeneDx Variant Classification Process June 2021. Collection method: clinical testing. Allele origin: germline. Affected: yes.
Comment: Not observed at significant frequency in large population cohorts (gnomAD); In silico analysis supports that this missense variant has a deleterious effect on protein structure/function; Has not been previously published as pathogenic or benign to our knowledge